The following is an entry in ClinVar:

ClinVar aggregate classification (germline): Conflicting classifications of pathogenicity. Review status: criteria provided, conflicting classifications (1 of 4 stars). 3 submissions from 3 submitters: Uncertain significance (2); Likely benign (1). Last evaluated 2026-06-25.

Conditions:
SLC22A4-related disorder. Also called: SLC22A4-related condition.

Allele frequency attached by ClinVar (database versions not stated): gnomAD exomes 0.00006 and 0.00018; ExAC 0.00015; ESP Exome Variant Server 0.00031; gnomAD 0.00043 and 0.00046; TOPMed 0.00055.
gnomAD v4.1: 154 of 1,612,888 alleles (0.0095%); highest among the groups gnomAD compares: African/African-American, 0.16%; no homozygotes.

Submissions (3):

PreventionGenetics, part of Exact Sciences
Classification: Likely benign for SLC22A4-related condition. Last evaluated: 2026-06-25. Review status: criteria provided, single submitter. Criteria: ACMG Guidelines, 2015. Collection method: clinical testing. Allele origin: germline.
Comment: This variant is classified as likely benign based on ACMG/AMP sequence variant interpretation guidelines (Richards et al. 2015 PMID: 25741868, with internal and published modifications).

Labcorp Genetics (formerly Invitae), Labcorp
Classification: Uncertain significance. Last evaluated: 2025-06-24. Review status: criteria provided, single submitter. Criteria: Invitae Variant Classification Sherloc (09022015). Collection method: clinical testing. Allele origin: germline.
Comment: This sequence change replaces valine, which is neutral and non-polar, with methionine, which is neutral and non-polar, at codon 159 of the SLC22A4 protein (p.Val159Met). This variant is present in population databases (rs11568509, gnomAD 0.2%), and has an allele count higher than expected for a pathogenic variant. This variant has not been reported in the literature in individuals affected with SLC22A4-related conditions. ClinVar contains an entry for this variant (Variation ID: 1392315). Invitae Evidence Modeling of protein sequence and biophysical properties (such as structural, functional, and spatial information, amino acid conservation, physicochemical variation, residue mobility, and thermodynamic stability) indicates that this missense variant is not expected to disrupt SLC22A4 protein function with a negative predictive value of 80%. Experimental studies have shown that this missense change does not substantially affect SLC22A4 function (PMID: 17700366). In summary, the available evidence is currently insufficient to determine the role of this variant in disease. Therefore, it has been classified as a Variant of Uncertain Significance.

Mayo Clinic Laboratories, Mayo Clinic
Classification: Uncertain significance. Last evaluated: 2024-10-23. Review status: criteria provided, single submitter. Criteria: ACMG Guidelines, 2015. Collection method: clinical testing. Allele origin: germline. Observed: 1 variant allele.
Comment: BS1_supporting

Literature cited by the submitters: PubMed 17700366 (cited by Labcorp Genetics (formerly Invitae), Labcorp).

NM_003059.3(SLC22A4):c.475G>A (p.Val159Met)

Genes: MIR3936HG (MIR3936 host gene; minus strand), SLC22A4 (solute carrier family 22 member 4; plus strand). Cytogenetic location: 5q31.1.
Variant type: single nucleotide variant.
Coding change: c.475G>A on transcript NM_003059.3 (MANE Select); coding-DNA position 475, G replaced by A.
Protein change: p.Val159Met; replaces valine 159 with methionine.
Molecular consequence: missense variant. On other transcripts: non-coding transcript variant (1).
Genome position (GRCh38, 1-based): chr5:132,312,242, G>A. VCF-style: chr5-132312242-G-A. GRCh37 (hg19) VCF-style: chr5-131647935-G-A.
Other names: p.Val159Met; c.475G>A (NM_003059.2); short protein forms V159M.
Identifiers: ClinVar variation 1392315 (VCV001392315.10), dbSNP rs11568509, ClinGen allele CA3403407.
Genomic context (GRCh38, chr5:132,312,242, plus strand): 5'-AACTGGAAGGTGCCCCTCACCACCTCCCTGTTCTTCGTAGGCGTGCTCCTCGGCTCCTTC[G>A]TGTCCGGGCAGCTGTCAGACAGGTAAGCACATGGGAGGGGAGGAAGGTGGGATGGTGCCC-3'
Protein context (NP_003050.2, residues 149-169): FFVGVLLGSF[Val159Met]SGQLSDRFGR